The following is an entry in ClinVar:

NM_000372.5(TYR):c.1343A>G (p.Asp448Gly)

Gene: TYR (tyrosinase; plus strand). Cytogenetic location: 11q14.3.
Variant type: single nucleotide variant.
Coding change: c.1343A>G on transcript NM_000372.5 (MANE Select); coding-DNA position 1343, A replaced by G.
Protein change: p.Asp448Gly; replaces aspartic acid 448 with glycine.
Molecular consequence: missense variant.
Genome position (GRCh38, 1-based): chr11:89,284,931, A>G. VCF-style: chr11-89284931-A-G. GRCh37 (hg19) VCF-style: chr11-89018099-A-G.
Other names: short protein forms D448G.
Identifiers: ClinVar variation 1500300 (VCV001500300.6), dbSNP rs753195354, ClinGen allele CA6221410.
Genomic context (GRCh38, chr11:89,284,931, plus strand): 5'-CTTTTATACCACTGTACAGAAATGGTGATTTCTTTATTTCATCCAAAGATCTGGGCTATG[A>G]CTATAGCTATCTACAAGATTCAGGTAAAGTTTACTTTCTTTCAGAGGAATTGCTGAATCT-3'
Protein context (NP_000363.1, residues 438-458): FFISSKDLGY[Asp448Gly]YSYLQDSDPD

ClinVar aggregate classification (germline): Uncertain significance. Review status: criteria provided, multiple submitters, no conflicts (2 of 4 stars). 2 submissions from 2 submitters: Uncertain significance (2). Last evaluated 2024-04-26.

Conditions:
SKIN/HAIR/EYE PIGMENTATION 3, LIGHT/DARK SKIN (SHEP3). Also called: SKIN/HAIR/EYE PIGMENTATION 3, BLUE/GREEN EYE COLOR; SKIN/HAIR/EYE PIGMENTATION 3, FRECKLING; SKIN/HAIR/EYE PIGMENTATION, VARIATION IN, 3; EYE COLOR 1; EYE COLOR, GREEN/BLUE. Identifiers: MedGen C2677190, OMIM 601800.
Oculocutaneous albinism type 1A (OCA1A). Also called: Albinism, oculocutaneous, type IA. Identifiers: Orphanet 352731, Orphanet 79431, MedGen C4551504, MONDO:0008745, OMIM 203100. Disease mechanism: loss of function.
Oculocutaneous albinism type 1B (OCA1B). Also called: YELLOW ALBINISM; ALBINISM, YELLOW MUTANT TYPE; ALBINISM, OCULOCUTANEOUS, TYPE IB. Identifiers: Orphanet 352731, Orphanet 352737, Orphanet 79434, MedGen C1847024, MONDO:0011749, OMIM 606952.

Allele frequency attached by ClinVar (database versions not stated): ExAC 0.00001; gnomAD exomes 0.00001.
gnomAD v4.1: 3 of 1,611,530 alleles (0.00019%); highest among the groups gnomAD compares: Middle Eastern, 0.05%; no homozygotes.

Submissions (2):

Fulgent Genetics
Classification: Uncertain significance for Oculocutaneous albinism type 1A; SKIN/HAIR/EYE PIGMENTATION 3, LIGHT/DARK SKIN; Oculocutaneous albinism type 1B. Last evaluated: 2024-04-26. Review status: criteria provided, single submitter. Criteria: ACMG Guidelines, 2015. Collection method: clinical testing. Allele origin: germline.

Labcorp Genetics (formerly Invitae), Labcorp
Classification: Uncertain significance. Last evaluated: 2022-09-13. Review status: criteria provided, single submitter. Criteria: Invitae Variant Classification Sherloc (09022015). Collection method: clinical testing. Allele origin: germline.
Comment: This sequence change replaces aspartic acid, which is acidic and polar, with glycine, which is neutral and non-polar, at codon 448 of the TYR protein (p.Asp448Gly). This variant is present in population databases (rs753195354, gnomAD 0.0009%). This variant has not been reported in the literature in individuals affected with TYR-related conditions. ClinVar contains an entry for this variant (Variation ID: 1500300). Advanced modeling of protein sequence and biophysical properties (such as structural, functional, and spatial information, amino acid conservation, physicochemical variation, residue mobility, and thermodynamic stability) performed at Invitae indicates that this missense variant is not expected to disrupt TYR protein function. This variant disrupts the p.Asp448 amino acid residue in TYR. Other variant(s) that disrupt this residue have been determined to be pathogenic (PMID: 1642278, 10987646, 13680365, 27734839). This suggests that this residue is clinically significant, and that variants that disrupt this residue are likely to be disease-causing. In summary, the available evidence is currently insufficient to determine the role of this variant in disease. Therefore, it has been classified as a Variant of Uncertain Significance.

Literature cited by the submitters: PubMed 1642278 (cited by Labcorp Genetics (formerly Invitae), Labcorp); PubMed 10987646 (cited by Labcorp Genetics (formerly Invitae), Labcorp); PubMed 13680365 (cited by Labcorp Genetics (formerly Invitae), Labcorp); PubMed 27734839 (cited by Labcorp Genetics (formerly Invitae), Labcorp).